The following is an entry in ClinVar:

ClinVar aggregate classification (germline): Likely benign (1 of 4 stars; one submission).

Submission:

Women's Health and Genetics/Laboratory Corporation of America, LabCorp
Classification: Likely benign. Last evaluated: 2019-11-04. Review status: criteria provided, single submitter. Criteria: LabCorp Variant Classification Summary - May 2015. Collection method: clinical testing. Allele origin: germline.
Comment: Variant summary: RYR2 c.11092-14_11092-11dupTTTT alters multiple nucleotides in a repeat Ts region located close to a canonical splice site. 5/5 computational tools predict no significant impact on normal splicing. However, these predictions have yet to be confirmed by functional studies. The variant was absent in 70234 control chromosomes (gnomAD). To our knowledge, no occurrence of c.11092-14_11092-11dupTTTT in individuals affected with Cardiomyopathy and no experimental evidence demonstrating its impact on protein function have been reported. No clinical diagnostic laboratories have submitted clinical-significance assessments for this variant to ClinVar after 2014. Based on the evidence outlined above, the variant was classified as likely benign.

NM_001035.3(RYR2):c.11092-14_11092-11dup

Gene: RYR2 (ryanodine receptor 2; plus strand). Cytogenetic location: 1q43.
Variant type: Duplication.
Coding change: c.11092-14_11092-11dup on transcript NM_001035.3 (MANE Select); 14 bases into the intron before coding-DNA position 11092 through 11 bases into the intron before coding-DNA position 11092, 4 bases duplicated (TTTT; older notation c.11092-14_11092-11dupTTTT).
Molecular consequence: intron variant.
Genome position (GRCh38, 1-based): chr1:237,742,282-237,742,285, TTTT duplicated; duplicating any 4 consecutive bases within chr1:237,742,271-237,742,285 gives the same sequence; the c. name uses the placement nearest the transcript's 3' end. VCF-style (leftmost placement, unchanged base first): chr1-237742270-C-CTTTT. GRCh37 (hg19) VCF-style: chr1-237905570-C-CTTTT.
Identifiers: ClinVar variation 928595 (VCV000928595.1), dbSNP rs397516499, ClinGen allele CA733310840.